The following is an entry in ClinVar:

NM_006109.5(PRMT5):c.1579+6T>G

Genes: PRMT5 (protein arginine methyltransferase 5; minus strand), PRMT5-AS1 (PRMT5 antisense RNA 1; plus strand). Cytogenetic location: 14q11.2.
Variant type: single nucleotide variant.
Coding change: c.1579+6T>G on transcript NM_006109.5 (MANE Select); 6 bases into the intron after coding-DNA position 1579, T replaced by G.
Molecular consequence: intron variant.
Genome position (GRCh38, 1-based): chr14:22,922,736, A>C on the plus strand (T>G on the coding strand, the complement: PRMT5 is on the minus strand). VCF-style: chr14-22922736-A-C. GRCh37 (hg19) VCF-style: chr14-23391945-A-C.
Other names: c.1447+6T>G (NM_001282955.2); c.1261+6T>G (NM_001282954.2); c.1396+6T>G (NM_001282953.2); c.1066+6T>G (NM_001282956.2); c.1528+6T>G (NM_001039619.3).
Identifiers: ClinVar variation 2672555 (VCV002672555.23), dbSNP rs188958781, ClinGen allele CA7107041.

ClinVar aggregate classification (germline): Likely benign (1 of 4 stars; one submission).

Allele frequency attached by ClinVar (database versions not stated): 1000 Genomes Project 0.00020; 1000 Genomes Project 30x 0.00031; TOPMed 0.00040; gnomAD 0.00068; gnomAD exomes 0.00071; ExAC 0.00090.
gnomAD v4.1: 1,136 of 1,613,488 alleles (0.07%); highest among the groups gnomAD compares: Non-Finnish European, 0.079%; 1 homozygote.

Submission:

CeGaT Center for Human Genetics Tuebingen
Classification: Likely benign. Last evaluated: 2023-11-01. Review status: criteria provided, single submitter. Criteria: CeGaT Center For Human Genetics Tuebingen Variant Classification Criteria Version 2. Collection method: clinical testing. Allele origin: germline. Affected: yes. Observed: 1 variant allele.
Comment: PRMT5: BP4